The following is an entry in ClinVar:

NM_019023.5(PRMT7):c.1055+4C>T

Gene: PRMT7 (protein arginine methyltransferase 7; plus strand). Cytogenetic location: 16q22.1.
Variant type: single nucleotide variant.
Coding change: c.1055+4C>T on transcript NM_019023.5 (MANE Select); 4 bases into the intron after coding-DNA position 1055, C replaced by T.
Molecular consequence: intron variant.
Genome position (GRCh38, 1-based): chr16:68,345,806, C>T. VCF-style: chr16-68345806-C-T. GRCh37 (hg19) VCF-style: chr16-68379709-C-T.
Other names: c.818+4C>T (NM_001378022.1, NM_001378021.1, NM_001378023.1); c.1055+4C>T (NM_001351143.3, NM_001351144.3, NM_001378018.1 and 1 more transcripts); c.905+4C>T (NM_001184824.4); c.848+4C>T (NM_001378020.1).
Identifiers: ClinVar variation 1432916 (VCV001432916.6), dbSNP rs745890640, ClinGen allele CA8127292.

ClinVar aggregate classification (germline): Uncertain significance (1 of 4 stars; one submission).

Allele frequency attached by ClinVar (database versions not stated): gnomAD exomes 0.00001 and 0.00002; TOPMed 0.00002; ExAC 0.00003; gnomAD 0.00004 and 0.00005.
gnomAD v4.1: 26 of 1,613,782 alleles (0.0016%); highest among the groups gnomAD compares: African/African-American, 0.0027%; no homozygotes.

Submission:

Labcorp Genetics (formerly Invitae), Labcorp
Classification: Uncertain significance. Last evaluated: 2024-08-28. Review status: criteria provided, single submitter. Criteria: Invitae Variant Classification Sherloc (09022015). Collection method: clinical testing. Allele origin: germline.
Comment: This sequence change falls in intron 10 of the PRMT7 gene. It does not directly change the encoded amino acid sequence of the PRMT7 protein. It affects a nucleotide within the consensus splice site. This variant is present in population databases (rs745890640, gnomAD 0.006%). This variant has not been reported in the literature in individuals affected with PRMT7-related conditions. ClinVar contains an entry for this variant (Variation ID: 1432916). Variants that disrupt the consensus splice site are a relatively common cause of aberrant splicing (PMID: 17576681, 9536098). Algorithms developed to predict the effect of sequence changes on RNA splicing suggest that this variant is not likely to affect RNA splicing. In summary, the available evidence is currently insufficient to determine the role of this variant in disease. Therefore, it has been classified as a Variant of Uncertain Significance.

Literature cited by the submitters: PubMed 17576681; PubMed 9536098.